The following is an entry in ClinVar:

ClinVar aggregate classification (germline): Uncertain significance. Review status: criteria provided, single submitter (1 of 4 stars). 2 submissions from 2 submitters: Uncertain significance (1). 1 of the submissions does not count toward it. Last evaluated 2025-09-05.

Conditions:
Retinitis pigmentosa (RP). Identifiers: Orphanet 791, MedGen C0035334, MeSH D012174, MONDO:0019200, OMIM 268000. Inheritance: Autosomal dominant, autosomal recessive and X linked inheritance.
Retinitis pigmentosa 12 (RP12). Also called: RP WITH OR WITHOUT PPRPE; RP WITH OR WITHOUT PRESERVED PARAARTERIOLE RETINAL PIGMENT EPITHELIUM; RETINITIS PIGMENTOSA WITH OR WITHOUT PARAARTERIOLAR PRESERVATION OF RETINAL PIGMENT EPITHELIUM. Identifiers: Orphanet 791, MedGen C1838647, MONDO:0010818, OMIM 600105.

Allele frequency attached by ClinVar (database versions not stated): gnomAD exomes below 0.00001.

Submissions (2):

3billion
Classification: Uncertain significance for Retinitis pigmentosa 12. Last evaluated: 2025-09-05. Review status: criteria provided, single submitter. Criteria: ACMG Guidelines, 2015. Collection method: clinical testing. Allele origin: germline. Affected: yes.
Comment: The variant is observed at an extremely low frequency in the gnomAD v4.1.0 dataset (total allele frequency: <0.001%). Predicted Consequence/Location: Inframe deletion located in a nonrepeat region: predicted to change the length of the protein and disrupt normal protein function. The variant has been reported to be associated with CRB1-related disorder (ClinVar ID: VCV000636017 /PMID: 30718709). However, the evidence of pathogenicity is insufficient at this time. Therefore, this variant is classified as VUS according to the recommendation of ACMG/AMP guideline.

Department of Clinical Genetics, Copenhagen University Hospital, Rigshospitalet
Classification: Likely pathogenic for Retinitis pigmentosa. Last evaluated: 2018-04-01. Review status: no assertion criteria provided. Collection method: research. Allele origin: unknown. Affected: yes. Study: VeluxRD. Not counted in ClinVar's aggregate classification.

Literature cited by the submitters: PubMed 30718709 (cited by 3billion and Department of Clinical Genetics, Copenhagen University Hospital, Rigshospitalet).

NM_201253.3(CRB1):c.3916_3921del (p.Cys1306_Val1307del)

Gene: CRB1 (crumbs cell polarity complex component 1; plus strand). Cytogenetic location: 1q31.3.
Variant type: Deletion.
Coding change: c.3916_3921del on transcript NM_201253.3 (MANE Select); coding-DNA positions 3916 to 3921, 6 bases deleted (TGTGTC; older notation c.3916_3921delTGTGTC).
Protein change: p.Cys1306_Val1307del.
Molecular consequence: inframe deletion. On other transcripts: non-coding transcript variant (2).
Genome position (GRCh38, 1-based): chr1:197,442,203-197,442,208, TGTGTC deleted. VCF-style (leftmost placement, unchanged base first): chr1-197442202-GTGTGTC-G. GRCh37 (hg19) VCF-style: chr1-197411332-GTGTGTC-G.
Other names: c.3580_3585del, p.Cys1194_Val1195del (NM_001193640.2); c.3844_3849del, p.Cys1282_Val1283del (NM_001257965.2); c.2308_2313del, p.Cys770_Val771del (NM_001257966.2).
Identifiers: ClinVar variation 636017 (VCV000636017.3), dbSNP rs1571572235, ClinGen allele CA915941981.